The following is an entry in ClinVar:

ClinVar aggregate classification (germline): Uncertain significance (1 of 4 stars; one submission).

Submission:

GeneDx
Classification: Uncertain significance. Last evaluated: 2023-06-23. Review status: criteria provided, single submitter. Criteria: GeneDx Variant Classification Process June 2021. Collection method: clinical testing. Allele origin: germline. Affected: yes.
Comment: Not observed at significant frequency in large population cohorts (gnomAD); In silico analysis supports that this missense variant does not alter protein structure/function; Has not been previously published as pathogenic or benign to our knowledge

NM_000489.6(ATRX):c.160T>G (p.Ser54Ala)

Gene: ATRX (ATRX chromatin remodeler; minus strand). Cytogenetic location: Xq21.1.
Variant type: single nucleotide variant.
Coding change: c.160T>G on transcript NM_000489.6 (MANE Select); coding-DNA position 160, T replaced by G.
Protein change: p.Ser54Ala; replaces serine 54 with alanine.
Molecular consequence: missense variant.
Genome position (GRCh38, 1-based): chrX:77,698,603, A>C on the plus strand (T>G on the coding strand, the complement: ATRX is on the minus strand). VCF-style: chrX-77698603-A-C. GRCh37 (hg19) VCF-style: chrX-76954091-A-C.
Other names: c.160T>G, p.Ser54Ala (NM_138270.5); short protein forms S54A.
Identifiers: ClinVar variation 3360225 (VCV003360225.1).